The following is an entry in ClinVar:

NM_024675.4(PALB2):c.2595A>T (p.Ser865=)

Gene: PALB2 (partner and localizer of BRCA2; minus strand). Cytogenetic location: 16p12.2.
Variant type: single nucleotide variant.
Coding change: c.2595A>T on transcript NM_024675.4 (MANE Select); coding-DNA position 2595, A replaced by T.
Protein change: p.Ser865=; no amino-acid change (serine 865 retained).
Molecular consequence: synonymous variant.
Genome position (GRCh38, 1-based): chr16:23,626,389, T>A on the plus strand (A>T on the coding strand, the complement: PALB2 is on the minus strand). VCF-style: chr16-23626389-T-A. GRCh37 (hg19) VCF-style: chr16-23637710-T-A.
Identifiers: ClinVar variation 749008 (VCV000749008.11), dbSNP rs1597085400, ClinGen allele CA494161326.

ClinVar aggregate classification (germline): Uncertain significance (1 of 4 stars; one submission).

Conditions:
Familial cancer of breast. Also called: BREAST CANCER, FAMILIAL; hereditary breast carcinoma; Hereditary breast cancer. Identifiers: Orphanet 227535, MedGen C0346153, MONDO:0016419, OMIM 114480. Disease mechanism: loss of function.

Submissions (2):

Labcorp Genetics (formerly Invitae), Labcorp
Classification: Uncertain significance for Familial cancer of breast. Last evaluated: 2024-09-25. Review status: criteria provided, single submitter. Criteria: Invitae Variant Classification Sherloc (09022015). Collection method: clinical testing. Allele origin: germline.
Comment: This sequence change affects codon 865 of the PALB2 mRNA. It is a 'silent' change, meaning that it does not change the encoded amino acid sequence of the PALB2 protein. This variant is not present in population databases (gnomAD no frequency). This variant has not been reported in the literature in individuals affected with PALB2-related conditions. ClinVar contains an entry for this variant (Variation ID: 749008). Studies have shown that this variant alters mRNA splicing and is expected to lead to the loss of protein expression (PMID: 37961416). In summary, the available evidence is currently insufficient to determine the role of this variant in disease. Therefore, it has been classified as a Variant of Uncertain Significance.

Dr. Peter K. Rogan Lab, Western University
No classification provided (evidence only). Condition: Familial cancer of breast. Review status: no classification provided. Collection method: in vitro. Allele origin: not applicable. Functional consequence: cryptic splice site, skipped exon. Not counted in ClinVar's aggregate classification.

Literature cited by the submitters: PubMed 37961416 (cited by Labcorp Genetics (formerly Invitae), Labcorp).